The following is an entry in ClinVar:

ClinVar aggregate classification (germline): Uncertain significance (1 of 4 stars; one submission).

Conditions:
Cardiovascular phenotype. Identifiers: MedGen CN230736.

Submission:

Ambry Genetics
Classification: Uncertain significance for Cardiovascular phenotype. Last evaluated: 2026-09-13. Review status: criteria provided, single submitter. Criteria: Ambry Variant Classification Scheme 2023. Collection method: clinical testing. Allele origin: germline.
Comment: The p.Q411H variant (also known as c.1233G>C), located in coding exon 1 of the KCNJ2 gene, results from a G to C substitution at nucleotide position 1233. The glutamine at codon 411 is replaced by histidine, an amino acid with highly similar properties. This amino acid position is conserved. In addition, the in silico prediction for this alteration is inconclusive. Based on the available evidence, the clinical significance of this variant remains unclear.

NM_000891.3(KCNJ2):c.1233G>C (p.Gln411His)

Gene: KCNJ2 (potassium inwardly rectifying channel subfamily J member 2; plus strand). Cytogenetic location: 17q24.3.
Variant type: single nucleotide variant.
Coding change: c.1233G>C on transcript NM_000891.3 (MANE Select); coding-DNA position 1233, G replaced by C.
Protein change: p.Gln411His; replaces glutamine 411 with histidine.
Molecular consequence: missense variant.
Genome position (GRCh38, 1-based): chr17:70,176,272, G>C. VCF-style: chr17-70176272-G-C. GRCh37 (hg19) VCF-style: chr17-68172413-G-C.
Other names: short protein forms Q411H.
Identifiers: ClinVar variation 5023002 (VCV005023002.1).
Genomic context (GRCh38, chr17:70,176,272, plus strand): 5'-AAATGGAGTTCCAGAAAGCACTAGTACGGACACGCCCCCTGACATAGACCTTCACAACCA[G>C]GCAAGTGTACCTCTAGAGCCCAGGCCCTTACGGCGAGAGTCGGAGATATGACTGACTGAT-3'
Protein context (NP_000882.1, residues 401-421): DTPPDIDLHN[Gln411His]ASVPLEPRPL